The following is an entry in ClinVar:

NM_018979.4(WNK1):c.594C>A (p.Ser198Arg)

Gene: WNK1 (WNK lysine deficient protein kinase 1; plus strand). Cytogenetic location: 12p13.33.
Variant type: single nucleotide variant.
Coding change: c.594C>A on transcript NM_018979.4 (MANE Select); coding-DNA position 594, C replaced by A.
Protein change: p.Ser198Arg; replaces serine 198 with arginine.
Molecular consequence: missense variant.
Genome position (GRCh38, 1-based): chr12:754,159, C>A. VCF-style: chr12-754159-C-A. GRCh37 (hg19) VCF-style: chr12-863325-C-A.
Other names: c.594C>A, p.Ser198Arg (NM_001184985.2, NM_014823.3, NM_213655.5); short protein forms S198R.
Identifiers: ClinVar variation 947709 (VCV000947709.9), dbSNP rs1939612446, ClinGen allele CA383307594.

ClinVar aggregate classification (germline): Uncertain significance (1 of 4 stars; one submission).

Conditions:
Neuropathy, hereditary sensory and autonomic, type 2A (HSAN2A). Also called: MORVAN DISEASE; NEUROPATHY, CONGENITAL SENSORY; NEUROPATHY, HEREDITARY SENSORY RADICULAR, AUTOSOMAL RECESSIVE; NEUROPATHY, HEREDITARY SENSORY, TYPE IIA; NEUROPATHY, PROGRESSIVE SENSORY, OF CHILDREN; WNK1-Related HSAN2 (HSAN2A). Identifiers: Orphanet 970, MedGen C2752089, MONDO:0024309, OMIM 201300.
Pseudohypoaldosteronism type 2C (PHA2C). Also called: Pseudohypoaldosteronism Type IIC. Identifiers: Orphanet 757, Orphanet 88940, MedGen C1840391, MONDO:0013778, OMIM 614492.

Submission:

Labcorp Genetics (formerly Invitae), Labcorp
Classification: Uncertain significance for Neuropathy, hereditary sensory and autonomic, type 2A; Pseudohypoaldosteronism type 2C. Last evaluated: 2019-06-14. Review status: criteria provided, single submitter. Criteria: Invitae Variant Classification Sherloc (09022015). Collection method: clinical testing. Allele origin: germline.
Comment: In summary, the available evidence is currently insufficient to determine the role of this variant in disease. Therefore, it has been classified as a Variant of Uncertain Significance. Algorithms developed to predict the effect of missense changes on protein structure and function are either unavailable or do not agree on the potential impact of this missense change (SIFT: "Tolerated"; PolyPhen-2: "Not Available"; Align-GVGD: "Class C0"). This variant has not been reported in the literature in individuals with WNK1-related conditions. This variant is not present in population databases (ExAC no frequency). This sequence change replaces serine with arginine at codon 198 of the WNK1 protein (p.Ser198Arg). The serine residue is moderately conserved and there is a moderate physicochemical difference between serine and arginine.